The following is an entry in ClinVar:

NM_003482.4(KMT2D):c.6593C>A (p.Pro2198His)

Gene: KMT2D (lysine methyltransferase 2D; minus strand). Cytogenetic location: 12q13.12.
Variant type: single nucleotide variant.
Coding change: c.6593C>A on transcript NM_003482.4 (MANE Select); coding-DNA position 6593, C replaced by A.
Protein change: p.Pro2198His; replaces proline 2198 with histidine.
Molecular consequence: missense variant.
Genome position (GRCh38, 1-based): chr12:49,041,177, G>T on the plus strand (C>A on the coding strand, the complement: KMT2D is on the minus strand). VCF-style: chr12-49041177-G-T. GRCh37 (hg19) VCF-style: chr12-49434960-G-T.
Other names: c.6593C>A (NM_003482.3); short protein forms P2198H.
Identifiers: ClinVar variation 1381643 (VCV001381643.7), dbSNP rs775515120, ClinGen allele CA6547224.
Genomic context (GRCh38, chr12:49,041,177, plus strand): 5'-GGACGAGATGAGGCGCCCAGCATCGGGGGCTGCGCAGGGGCCCCCGTAGGACTAGGATAG[G>T]GGGGATAGGTGGGCGGTGCCGTGGGGAAGCGGGGCTCCAGGGGATAGGCAGGGGCCAGTC-3'
Protein context (NP_003473.3, residues 2188-2208): RFPTAPPTYP[Pro2198His]YPSPTGAPAQ

ClinVar aggregate classification (germline): Conflicting classifications of pathogenicity. Review status: criteria provided, conflicting classifications (1 of 4 stars). 2 submissions from 2 submitters: Uncertain significance (1); Likely benign (1). Last evaluated 2026-06-22.

Conditions:
Inborn genetic diseases. Identifiers: MedGen C0950123, MeSH D030342.
Kabuki syndrome. Also called: Kabuki make-up syndrome; NIIKAWA-KUROKI SYNDROME. Identifiers: Orphanet 2322, MedGen C0796004, MONDO:0016512.

gnomAD v4.1: 14 of 1,519,410 alleles (0.00092%); highest among the groups gnomAD compares: Admixed American, 0.0023%; no homozygotes.

Submissions (2):

Ambry Genetics
Classification: Uncertain significance for Inborn genetic diseases. Last evaluated: 2026-06-22. Review status: criteria provided, single submitter. Criteria: Ambry Variant Classification Scheme 2023. Collection method: clinical testing. Allele origin: germline.
Comment: The c.6593C>A (p.P2198H) alteration is located in exon 31 (coding exon 31) of the KMT2D gene. This alteration results from a C to A substitution at nucleotide position 6593, causing the proline (P) at amino acid position 2198 to be replaced by a histidine (H). Based on data from gnomAD, the A allele has an overall frequency of <0.001% (0/161746) total alleles studied. The highest observed frequency was <0.001% (/) of alleles. Based on insufficient or conflicting evidence, the clinical significance of this alteration remains unclear.

Labcorp Genetics (formerly Invitae), Labcorp
Classification: Likely benign for Kabuki syndrome. Last evaluated: 2025-03-17. Review status: criteria provided, single submitter. Criteria: Invitae Variant Classification Sherloc (09022015). Collection method: clinical testing. Allele origin: germline.